The following is an entry in ClinVar:

NM_003079.5(SMARCE1):c.1089T>C (p.Thr363=)

Gene: SMARCE1 (SWI/SNF related BAF chromatin remodeling complex subunit E1; minus strand). Cytogenetic location: 17q21.2.
Variant type: single nucleotide variant.
Coding change: c.1089T>C on transcript NM_003079.5 (MANE Select); coding-DNA position 1089, T replaced by C.
Protein change: p.Thr363=; no amino-acid change (threonine 363 retained).
Molecular consequence: synonymous variant.
Genome position (GRCh38, 1-based): chr17:40,628,932, A>G on the plus strand (T>C on the coding strand, the complement: SMARCE1 is on the minus strand). VCF-style: chr17-40628932-A-G. GRCh37 (hg19) VCF-style: chr17-38785184-A-G.
Other names: p.Thr363=.
Identifiers: ClinVar variation 463415 (VCV000463415.60), dbSNP rs767262463, ClinGen allele CA8545065.

ClinVar aggregate classification (germline): Benign/Likely benign. Review status: criteria provided, multiple submitters, no conflicts (2 of 4 stars). 8 submissions from 7 submitters: Benign (1); Likely benign (7). Last evaluated 2026-03-01.

Conditions:
Rhabdoid tumor predisposition syndrome 1 (RTPS1). Also called: Familial Posterior Fossa Brain Tumor of Infancy. Identifiers: Orphanet 231108, Orphanet 69077, MedGen C1836327, MONDO:0012252, OMIM 609322.
SMARCB1-related schwannomatosis. Also called: SWNTS1; Schwannomatosis 1. Identifiers: Orphanet 93921, MedGen C4048809, MONDO:0024517, OMIM 162091. Disease mechanism: loss of function.
Hereditary cancer-predisposing syndrome. Also called: Hereditary neoplastic syndrome; Neoplastic Syndromes, Hereditary; Hereditary Cancer Syndrome; Tumor predisposition. Identifiers: Orphanet 140162, MedGen C0027672, MeSH D009386, MONDO:0015356.
Familial meningioma. Also called: Meningioma, familial, susceptibility to. Identifiers: Orphanet 263662, MedGen C3551915, MONDO:0011789, OMIM 607174.

Allele frequency attached by ClinVar (database versions not stated): ExAC 0.00001; gnomAD exomes 0.00002; gnomAD 0.00004 and 0.00006; TOPMed 0.00004.
gnomAD v4.1: 42 of 1,613,760 alleles (0.0026%); highest among the groups gnomAD compares: Middle Eastern, 0.33%; 1 homozygote.

Submissions (8):

CeGaT Center for Human Genetics Tuebingen
Classification: Likely benign. Last evaluated: 2026-03-01. Review status: criteria provided, single submitter. Criteria: CeGaT Center For Human Genetics Tuebingen Variant Classification Criteria Version 2. Collection method: clinical testing. Allele origin: germline. Affected: yes. Observed: 6 variant alleles.
Comment: SMARCE1: BP4, BP7

Labcorp Genetics (formerly Invitae), Labcorp
Classification: Likely benign for Familial meningioma. Last evaluated: 2026-01-19. Review status: criteria provided, single submitter. Criteria: Invitae Variant Classification Sherloc (09022015). Collection method: clinical testing. Allele origin: germline.

Mayo Clinic Laboratories, Mayo Clinic
Classification: Likely benign. Last evaluated: 2025-12-18. Review status: criteria provided, single submitter. Criteria: ACMG Guidelines, 2015. Collection method: clinical testing. Allele origin: germline. Observed: 2 variant alleles.
Comment: BP4, BP7

KCCC/NGS Laboratory, Kuwait Cancer Control Center
Classification: Benign for SMARCB1-related schwannomatosis. Last evaluated: 2025-02-01. Review status: criteria provided, single submitter. Criteria: ACMG Guidelines, 2015. Collection method: clinical testing. Allele origin: germline. Affected: no.

Blueprint Genetics
Classification: Likely benign. Last evaluated: 2024-10-15. Review status: criteria provided, single submitter. Criteria: ACMG Guidelines, 2015. Collection method: clinical testing. Allele origin: germline.

KCCC/NGS Laboratory, Kuwait Cancer Control Center
Classification: Likely benign for Rhabdoid tumor predisposition syndrome 1. Last evaluated: 2023-07-07. Review status: criteria provided, single submitter. Criteria: ACMG Guidelines, 2015. Collection method: clinical testing. Allele origin: germline. Affected: yes.

GeneDx
Classification: Likely benign. Last evaluated: 2019-03-13. Review status: criteria provided, single submitter. Criteria: GeneDx Variant Classification Process June 2021. Collection method: clinical testing. Allele origin: germline. Affected: yes.
Comment: See Variant Classification Assertion Criteria.

Ambry Genetics
Classification: Likely benign for Hereditary cancer-predisposing syndrome. Last evaluated: 2017-08-31. Review status: criteria provided, single submitter. Criteria: Ambry Variant Classification Scheme 2023. Collection method: clinical testing. Allele origin: germline.